The following is an entry in ClinVar:

ClinVar aggregate classification (germline): Uncertain significance. Review status: criteria provided, multiple submitters, no conflicts (2 of 4 stars). 2 submissions from 2 submitters: Uncertain significance (2). Last evaluated 2025-07-31.

Conditions:
PKD1L1-related disorder. Also called: PKD1L1-related condition.
Inborn genetic diseases. Identifiers: MedGen C0950123, MeSH D030342.

gnomAD v4.1: 203 of 1,592,600 alleles (0.013%); highest among the groups gnomAD compares: Non-Finnish European, 0.015%; no homozygotes.

Submissions (2):

PreventionGenetics, part of Exact Sciences
Classification: Uncertain significance for PKD1L1-related condition. Last evaluated: 2025-07-31. Review status: criteria provided, single submitter. Criteria: ACMG Guidelines, 2015. Collection method: clinical testing. Allele origin: germline.
Comment: The PKD1L1 c.5606G>A variant is predicted to result in the amino acid substitution p.Arg1869His. To our knowledge, this variant has not been reported in the literature. This variant is reported in 0.012% of alleles in individuals of European (Non-Finnish) descent in gnomAD. At this time, the clinical significance of this variant is uncertain due to the absence of conclusive functional and genetic evidence.

Ambry Genetics
Classification: Uncertain significance for Inborn genetic diseases. Last evaluated: 2025-05-26. Review status: criteria provided, single submitter. Criteria: Ambry Variant Classification Scheme 2023. Collection method: clinical testing. Allele origin: germline.

NM_138295.5(PKD1L1):c.5606G>A (p.Arg1869His)

Gene: PKD1L1 (polycystin 1 like 1, transient receptor potential channel interacting; minus strand). Cytogenetic location: 7p12.3.
Variant type: single nucleotide variant.
Coding change: c.5606G>A on transcript NM_138295.5 (MANE Select); coding-DNA position 5606, G replaced by A.
Protein change: p.Arg1869His; replaces arginine 1869 with histidine.
Molecular consequence: missense variant.
Genome position (GRCh38, 1-based): chr7:47,839,609, C>T on the plus strand (G>A on the coding strand, the complement: PKD1L1 is on the minus strand). VCF-style: chr7-47839609-C-T. GRCh37 (hg19) VCF-style: chr7-47879207-C-T.
Other names: short protein forms R1869H.
Identifiers: ClinVar variation 3932890 (VCV003932890.2).